The following is an entry in ClinVar:

ClinVar aggregate classification (germline): Conflicting classifications of pathogenicity. Review status: criteria provided, conflicting classifications (1 of 4 stars). 6 submissions from 6 submitters: Uncertain significance (2); Likely benign (4). Last evaluated 2026-06-22.

Conditions:
MYH6-related disorder. Also called: MYH6-Related Disorders; MYH6-related condition.
Cardiomyopathy (CMYO). Also called: Cardiomyopathies. Identifiers: Orphanet 167848, MedGen C0878544, MONDO:0004994, HP:0001638. Inheritance: Various modes of inheritance.
Cardiovascular phenotype. Identifiers: MedGen CN230736.
Hypertrophic cardiomyopathy 14. Identifiers: MedGen C2750467, MONDO:0013197, OMIM 613251.

Allele frequency attached by ClinVar (database versions not stated): TOPMed 0.00005; 1000 Genomes Project 30x 0.00016; 1000 Genomes Project 0.00020.
gnomAD v4.1: 74 of 1,608,252 alleles (0.0046%); highest among the groups gnomAD compares: Non-Finnish European, 0.0039%; no homozygotes.

Submissions (6):

PreventionGenetics, part of Exact Sciences
Classification: Uncertain significance for MYH6-related condition. Last evaluated: 2026-06-22. Review status: criteria provided, single submitter. Criteria: ACMG Guidelines, 2015. Collection method: clinical testing. Allele origin: germline.
Comment: The MYH6 c.3447C>G variant is predicted to result in the amino acid substitution p.Ser1149Arg. This variant was reported in an individual with a dilated cardiomyopathy phenotype (Supplemental Table, Dal Ferro et al. 2017. PubMed ID: 28416588). This variant is reported in 0.11% of alleles in individuals of Ashkenazi Jewish descent in gnomAD. At this time, the clinical significance of this variant is uncertain due to the absence of conclusive functional and genetic evidence.

Labcorp Genetics (formerly Invitae), Labcorp
Classification: Likely benign for Hypertrophic cardiomyopathy 14. Last evaluated: 2025-11-25. Review status: criteria provided, single submitter. Criteria: Invitae Variant Classification Sherloc (09022015). Collection method: clinical testing. Allele origin: germline.

CeGaT Center for Human Genetics Tuebingen
Classification: Likely benign. Last evaluated: 2025-09-01. Review status: criteria provided, single submitter. Criteria: CeGaT Center For Human Genetics Tuebingen Variant Classification Criteria Version 2. Collection method: clinical testing. Allele origin: germline. Affected: yes. Observed: 1 variant allele.
Comment: MYH6: PP3, BS2

Ambry Genetics
Classification: Likely benign for Cardiovascular phenotype. Last evaluated: 2021-09-13. Review status: criteria provided, single submitter. Criteria: Ambry Variant Classification Scheme 2023. Collection method: clinical testing. Allele origin: germline.

CHEO Genetics Diagnostic Laboratory, Children's Hospital of Eastern Ontario
Classification: Likely benign for Cardiomyopathy. Last evaluated: 2017-12-22. Review status: criteria provided, single submitter. Criteria: ACMG Guidelines, 2015. Collection method: clinical testing. Allele origin: germline.

Laboratory for Molecular Medicine, Mass General Brigham Personalized Medicine
Classification: Uncertain significance. Last evaluated: 2017-05-02. Review status: criteria provided, single submitter. Criteria: LMM Criteria. Collection method: clinical testing. Allele origin: germline. Observed: 1 variant allele.
Comment: The p.Ser1149Arg variant in MYH6 has not been previously reported in individuals with cardiomyopathy, but has been identified in 0.10% (10/9638) of Ashkenazi Je wish chromosomes by the genome Aggregation Database (gnomAD; dbSNP rs564367705). Computational prediction tools and conservat ion analysis suggest that the p.Ser1149Arg variant may impact the protein, thoug h this information is not predictive enough to determine pathogenicity. In summa ry, the clinical significance of the p.Ser1149Arg variant is uncertain.

Literature cited by the submitters: PubMed 26272908 (cited by Ambry Genetics); PubMed 28416588 (cited by Ambry Genetics).

NM_002471.4(MYH6):c.3447C>G (p.Ser1149Arg)

Gene: MYH6 (myosin heavy chain 6; minus strand). Cytogenetic location: 14q11.2.
Variant type: single nucleotide variant.
Coding change: c.3447C>G on transcript NM_002471.4 (MANE Select); coding-DNA position 3447, C replaced by G.
Protein change: p.Ser1149Arg; replaces serine 1149 with arginine.
Molecular consequence: missense variant.
Genome position (GRCh38, 1-based): chr14:23,390,342, G>C on the plus strand (C>G on the coding strand, the complement: MYH6 is on the minus strand). VCF-style: chr14-23390342-G-C. GRCh37 (hg19) VCF-style: chr14-23859551-G-C.
Other names: short protein forms S1149R.
Identifiers: ClinVar variation 505797 (VCV000505797.22), dbSNP rs564367705, ClinGen allele CA7115180.